The following is an entry in ClinVar:

ClinVar aggregate classification (germline): Uncertain significance (1 of 4 stars; one submission).

Allele frequency attached by ClinVar (database versions not stated): gnomAD 0.00001; TOPMed 0.00001.

Submission:

Labcorp Genetics (formerly Invitae), Labcorp
Classification: Uncertain significance. Last evaluated: 2023-11-06. Review status: criteria provided, single submitter. Criteria: Invitae Variant Classification Sherloc (09022015). Collection method: clinical testing. Allele origin: germline.
Comment: This sequence change replaces proline, which is neutral and non-polar, with serine, which is neutral and polar, at codon 520 of the COL4A2 protein (p.Pro520Ser). This variant is not present in population databases (gnomAD no frequency). This variant has not been reported in the literature in individuals affected with COL4A2-related conditions. Advanced modeling of protein sequence and biophysical properties (such as structural, functional, and spatial information, amino acid conservation, physicochemical variation, residue mobility, and thermodynamic stability) performed at Invitae indicates that this missense variant is not expected to disrupt COL4A2 protein function with a negative predictive value of 95%. In summary, the available evidence is currently insufficient to determine the role of this variant in disease. Therefore, it has been classified as a Variant of Uncertain Significance.

NM_001846.4(COL4A2):c.1558C>T (p.Pro520Ser)

Genes: COL4A2 (collagen type IV alpha 2 chain; plus strand), COL4A2-AS2 (COL4A2 antisense RNA 2; minus strand). Cytogenetic location: 13q34.
Variant type: single nucleotide variant.
Coding change: c.1558C>T on transcript NM_001846.4 (MANE Select); coding-DNA position 1558, C replaced by T.
Protein change: p.Pro520Ser; replaces proline 520 with serine.
Molecular consequence: missense variant.
Genome position (GRCh38, 1-based): chr13:110,458,896, C>T. VCF-style: chr13-110458896-C-T. GRCh37 (hg19) VCF-style: chr13-111111243-C-T.
Other names: short protein forms P520S.
Identifiers: ClinVar variation 2784620 (VCV002784620.3), dbSNP rs1279469217, ClinGen allele CA388736912.